The following is an entry in ClinVar:

NM_001367823.1(ARHGEF18):c.2182G>C (p.Asp728His)

Gene: ARHGEF18 (Rho/Rac guanine nucleotide exchange factor 18; plus strand). Cytogenetic location: 19p13.2.
Variant type: single nucleotide variant.
Coding change: c.2182G>C on transcript NM_001367823.1 (MANE Select); coding-DNA position 2182, G replaced by C.
Protein change: p.Asp728His; replaces aspartic acid 728 with histidine.
Molecular consequence: missense variant.
Genome position (GRCh38, 1-based): chr19:7,458,512, G>C. VCF-style: chr19-7458512-G-C. GRCh37 (hg19) VCF-style: chr19-7523398-G-C.
Other names: c.1456G>C, p.Asp486His (NM_001130955.2); c.1144G>C, p.Asp382His (NM_001367824.1, NM_015318.4); short protein forms D382H, D486H, D728H.
Identifiers: ClinVar variation 1716110 (VCV001716110.5), dbSNP rs2512295568, ClinGen allele CA403117132.

ClinVar aggregate classification (germline): Uncertain significance (1 of 4 stars; one submission).

gnomAD v4.1: 1 of 1,613,852 alleles (0.000062%); highest among the groups gnomAD compares: Non-Finnish European, 0.000085%; no homozygotes.

Submission:

Labcorp Genetics (formerly Invitae), Labcorp
Classification: Uncertain significance. Last evaluated: 2022-07-16. Review status: criteria provided, single submitter. Criteria: Invitae Variant Classification Sherloc (09022015). Collection method: clinical testing. Allele origin: germline.
Comment: Algorithms developed to predict the effect of missense changes on protein structure and function (SIFT, PolyPhen-2, Align-GVGD) all suggest that this variant is likely to be disruptive. This sequence change replaces aspartic acid, which is acidic and polar, with histidine, which is basic and polar, at codon 540 of the ARHGEF18 protein (p.Asp540His). This variant is not present in population databases (gnomAD no frequency). This variant has not been reported in the literature in individuals affected with ARHGEF18-related conditions. Algorithms developed to predict the effect of sequence changes on RNA splicing suggest that this variant may create or strengthen a splice site. In summary, the available evidence is currently insufficient to determine the role of this variant in disease. Therefore, it has been classified as a Variant of Uncertain Significance.